The following is an entry in ClinVar:

ClinVar aggregate classification (germline): Pathogenic (1 of 4 stars; one submission).

Conditions:
Long QT syndrome (LQTS). Identifiers: MedGen C0023976, MeSH D008133, MONDO:0002442. Disease mechanism: loss of function. Inheritance: Various modes of inheritance.

Submission:

Labcorp Genetics (formerly Invitae), Labcorp
Classification: Pathogenic for Long QT syndrome. Last evaluated: 2022-09-01. Review status: criteria provided, single submitter. Criteria: Invitae Variant Classification Sherloc (09022015). Collection method: clinical testing. Allele origin: germline.
Comment: For these reasons, this variant has been classified as Pathogenic. This variant has not been reported in the literature in individuals affected with KCNH2-related conditions. This variant is not present in population databases (gnomAD no frequency). This sequence change creates a premature translational stop signal (p.Gln702Serfs*12) in the KCNH2 gene. It is expected to result in an absent or disrupted protein product. Loss-of-function variants in KCNH2 are known to be pathogenic (PMID: 10973849, 19862833).

Literature cited by the submitters: PubMed 10973849; PubMed 19862833.

NM_000238.4(KCNH2):c.2104del (p.Gln702fs)

Gene: KCNH2 (potassium voltage-gated channel subfamily H member 2; minus strand). Cytogenetic location: 7q36.1.
Variant type: Deletion.
Coding change: c.2104del on transcript NM_000238.4 (MANE Select); coding-DNA position 2104, one base deleted (C; older notation c.2104delC).
Protein change: p.Gln702fs; shifts the reading frame from glutamine 702.
Molecular consequence: frameshift variant.
Genome position (GRCh38, 1-based): chr7:150,950,962, G deleted on the plus strand (C on the coding strand, the reverse complement: KCNH2 is on the minus strand); the first of 2 consecutive G bases (chr7:150,950,962-150,950,963); deleting either gives the same sequence. VCF-style (leftmost placement, unchanged base first): chr7-150950961-TG-T. GRCh37 (hg19) VCF-style: chr7-150648049-TG-T.
Other names: c.1084del, p.Gln362fs (NM_001204798.2, NM_172057.3); c.1815delC, p.Gln606Serfs (NM_001406753.1, NM_001406756.1); c.1926delC, p.Gln643Serfs (NM_001406755.1); c.1803delC, p.Gln602Serfs (NM_001406757.1); c.2103delC, p.Gln702Serfs (NM_172056.3); short protein forms Q362fs, Q702fs.
Identifiers: ClinVar variation 2062924 (VCV002062924.4), dbSNP rs2486030655, ClinGen allele CA2580077794.